The following is an entry in ClinVar:

NM_018406.7(MUC4):c.3000A>G (p.Ser1000=)

Gene: MUC4 (mucin 4, cell surface associated). Cytogenetic location: 3q29.
Variant type: single nucleotide variant.
Coding change: c.3000A>G on transcript NM_018406.7 (MANE Select); coding-DNA position 3000, A replaced by G.
Protein change: p.Ser1000=; no amino-acid change (serine 1000 retained).
Molecular consequence: synonymous variant. On other transcripts: intron variant (2).
Genome position (GRCh38, 1-based): chr3:195,788,580, T>C on the plus strand (A>G on the coding strand, the complement: MUC4 is on the minus strand). VCF-style: chr3-195788580-T-C. GRCh37 (hg19) VCF-style: chr3-195515451-T-C.
Other names: c.83-14275A>G (NM_138297.5); c.83-10125A>G (NM_004532.6).
Identifiers: ClinVar variation 3898194 (VCV003898194.7).
Genomic context (GRCh38, chr3:195,788,580, plus strand): 5'-ACCTGTGGATACTGAGGAAGGGCTGGTGACAGGAAGAGGGGTGGCGTGACCTGTGGATAC[T>C]GAGGAAGCATCGGTGACATGAAGAGGGGTGGTGTGACCTGTGGATGCCGAGGAAGCGTAG-3'
Protein context (NP_060876.5, residues 990-1010): TTPLHVTDAS[Ser1000=]VSTGHATPLP

ClinVar aggregate classification (germline): Likely benign (1 of 4 stars; one submission).

Submission:

CeGaT Center for Human Genetics Tuebingen
Classification: Likely benign. Last evaluated: 2025-04-01. Review status: criteria provided, single submitter. Criteria: CeGaT Center For Human Genetics Tuebingen Variant Classification Criteria Version 2. Collection method: clinical testing. Allele origin: germline. Affected: yes. Observed: 1 variant allele.
Comment: MUC4: BP4, BP7